The following is an entry in ClinVar:

ClinVar aggregate classification (germline): Uncertain significance. Review status: criteria provided, multiple submitters, no conflicts (2 of 4 stars). 2 submissions from 2 submitters: Uncertain significance (2). Last evaluated 2025-09-02.

Conditions:
Autosomal recessive ataxia, Beauce type. Also called: SYNE1-Related Autosomal Recessive Cerebellar Ataxia; Spinocerebellar ataxia, autosomal recessive 8; ATAXIA, RECESSIVE, OF BEAUCE; SYNE1 Deficiency. Identifiers: Orphanet 88644, MedGen C1853116, MONDO:0012549, OMIM 610743.
Emery-Dreifuss muscular dystrophy 4, autosomal dominant (EDMD4). Also called: EMERY-DREIFUSS MUSCULAR DYSTROPHY 4 WITH VARIABLE FEATURES. Identifiers: Orphanet 261, MedGen C2751807, MONDO:0013071, OMIM 612998.

Allele frequency attached by ClinVar (database versions not stated): TOPMed 0.00003; gnomAD 0.00005 and 0.00006; gnomAD exomes below 0.00001; ExAC 0.00001.
gnomAD v4.1: 14 of 1,614,132 alleles (0.00087%); highest among the groups gnomAD compares: African/African-American, 0.013%; no homozygotes.

Submissions (2):

Labcorp Genetics (formerly Invitae), Labcorp
Classification: Uncertain significance for Emery-Dreifuss muscular dystrophy 4, autosomal dominant; Autosomal recessive ataxia, Beauce type. Last evaluated: 2025-09-02. Review status: criteria provided, single submitter. Criteria: Invitae Variant Classification Sherloc (09022015). Collection method: clinical testing. Allele origin: germline.
Comment: This sequence change replaces glutamine, which is neutral and polar, with proline, which is neutral and non-polar, at codon 8478 of the SYNE1 protein (p.Gln8478Pro). This variant is present in population databases (rs770802176, gnomAD 0.008%). This variant has not been reported in the literature in individuals affected with SYNE1-related conditions. ClinVar contains an entry for this variant (Variation ID: 1493853). An algorithm developed to predict the effect of missense changes on protein structure and function (PolyPhen-2) suggests that this variant is likely to be tolerated. In summary, the available evidence is currently insufficient to determine the role of this variant in disease. Therefore, it has been classified as a Variant of Uncertain Significance.

Mayo Clinic Laboratories, Mayo Clinic
Classification: Uncertain significance. Last evaluated: 2024-08-28. Review status: criteria provided, single submitter. Criteria: ACMG Guidelines, 2015. Collection method: clinical testing. Allele origin: germline. Observed: 1 variant allele.
Comment: BP4, PM2

NM_182961.4(SYNE1):c.25577A>C (p.Gln8526Pro)

Gene: SYNE1 (spectrin repeat containing nuclear envelope protein 1; minus strand). Cytogenetic location: 6q25.2.
Variant type: single nucleotide variant.
Coding change: c.25577A>C on transcript NM_182961.4 (MANE Select); coding-DNA position 25577, A replaced by C.
Protein change: p.Gln8526Pro; replaces glutamine 8526 with proline.
Molecular consequence: missense variant.
Genome position (GRCh38, 1-based): chr6:152,136,700, T>G on the plus strand (A>C on the coding strand, the complement: SYNE1 is on the minus strand). VCF-style: chr6-152136700-T-G. GRCh37 (hg19) VCF-style: chr6-152457835-T-G.
Other names: p.Gln8478Pro; c.2183A>C, p.Gln728Pro (NM_001347701.2); c.2111A>C, p.Gln704Pro (NM_001347702.2); c.25433A>C, p.Gln8478Pro (NM_033071.5); c.25433A>C (NM_033071.3); short protein forms Q8526P, Q704P, Q728P, Q8478P.
Identifiers: ClinVar variation 1493853 (VCV001493853.9), dbSNP rs770802176, ClinGen allele CA4052795.